The following continues an entry in ClinVar:

NM_007294.4(BRCA1):c.4574_4575del (p.Gln1525fs)

Gene: BRCA1. ClinVar aggregate classification (germline): Pathogenic. Pathogenic (1).

Submissions 9 to 19 of 19:

Laboratory for Molecular Medicine, Mass General Brigham Personalized Medicine
Classification: Pathogenic for Hereditary breast ovarian cancer syndrome. Last evaluated: 2019-10-14. Review status: criteria provided, single submitter. Criteria: ACMG Guidelines, 2015. Collection method: clinical testing. Allele origin: germline. Not counted in ClinVar's aggregate classification.
Comment: The p.Gln1525ArgfsX5 variant in BRCA1 has been reported in at least 15 individuals with hereditary breast and/or ovarian cancer (HBOC; Greenman 1998, Ellis 2000, Al-Mulla 2009, Song 2014, Robertson 2012, BIC database) and was absent from large population studies. This variant is predicted to cause a frameshift, which alters the protein’s amino acid sequence beginning at position 1525 and leads to a premature termination codon 5 amino acids downstream. This alteration is then predicted to lead to a truncated or absent protein. Loss of function of the BRCA1 gene is an established disease mechanism in autosomal dominant HBOC. Additionally, this variant was classified as Pathogenic on Apr 22, 2016 by the ClinGen-approved ENIGMA expert panel (Variation ID: 55229). In summary, this variant meets criteria to be classified as pathogenic for autosomal dominant HBOC. ACMG/AMP Criteria applied: PVS1, PM2, PS4.

Clinical Genetics and Genomics, Karolinska University Hospital
Classification: Pathogenic. Last evaluated: 2018-06-13. Review status: criteria provided, single submitter. Criteria: ACMG Guidelines, 2015. Collection method: clinical testing. Allele origin: germline. Affected: yes. Observed: 1 variant allele. Not counted in ClinVar's aggregate classification.

Women's Health and Genetics/Laboratory Corporation of America, LabCorp
Classification: Pathogenic for Hereditary breast and ovarian cancer syndrome. Last evaluated: 2017-09-05. Review status: criteria provided, single submitter. Criteria: LabCorp Variant Classification Summary - May 2015. Collection method: clinical testing. Allele origin: germline. Not counted in ClinVar's aggregate classification.
Comment: Variant summary: The BRCA1 c.4574_4575delAA (p.Gln1525ArgfsX5) variant results in a premature termination codon, predicted to cause a truncated or absent BRCA1 protein due to nonsense mediated decay, which are commonly known mechanisms for disease. Truncations downstream of this position have been classified as pathogenic by our laboratory (e.g. c.4603G>T, p.Glu1535X; c.4655_4658delACTT, p.Tyr1552fsX6; c.4689C>G, p.Tyr1563X). One in silico tool predicts a damaging outcome for this variant. This variant is absent in 124462 control chromosomes from ExAC and literature. The variant was reported in the literature in individuals affected by breast or ovarian cancer (Robertson 2012, Song 2014, Greenman 1998, Fong 2009, Morgan 2010). In addition, multiple clinical diagnostic laboratories/reputable databases classified this variant as pathogenic. Taken together, this variant is classified as pathogenic.

Molecular Genetics Laboratory, University of Michigan
Classification: Pathogenic for Breast-ovarian cancer, familial, susceptibility to, 1. Last evaluated: 2016-04-21. Review status: criteria provided, single submitter. Criteria: ACMG Guidelines, 2015. Collection method: clinical testing. Allele origin: germline. Affected: yes. Not counted in ClinVar's aggregate classification.

Consortium of Investigators of Modifiers of BRCA1/2 (CIMBA), c/o University of Cambridge
Classification: Pathogenic for Breast-ovarian cancer, familial, susceptibility to, 1. Last evaluated: 2015-10-02. Review status: criteria provided, single submitter. Criteria: CIMBA Mutation Classification guidelines May 2016. Collection method: clinical testing. Allele origin: germline. Not counted in ClinVar's aggregate classification.

PreventionGenetics, part of Exact Sciences
Classification: Pathogenic for BRCA1-related condition. Last evaluated: 2024-03-01. Review status: no assertion criteria provided. Collection method: clinical testing. Allele origin: germline. Not counted in ClinVar's aggregate classification.
Comment: The BRCA1 c.4574_4575delAA variant is predicted to result in a frameshift and premature protein termination (p.Gln1525Argfs*5). This variant has been reported to be causative for hereditary breast and ovarian cancer syndrome (HBOC) (see for example, reported as 4693delAA at Greenman et al. 1998. PubMed ID: 9523200; Table S1 of Frugtniet et al. 2022. PubMed ID: 34657373). Loss of function variants up and downstream of this position have been reported to be causative for HBOC (Human Gene Mutation Database). This variant has not been reported in a large population database, indicating this variant is rare. This variant is interpreted as pathogenic.

CZECANCA consortium
Classification: Pathogenic for Breast and/or ovarian cancer. Last evaluated: 2019-06-11. Review status: no assertion criteria provided. Collection method: clinical testing. Allele origin: germline. Affected: yes. Observed: 1 variant allele. Not counted in ClinVar's aggregate classification.

Research Molecular Genetics Laboratory, Women's College Hospital, University of Toronto
Classification: Pathogenic for Hereditary breast ovarian cancer syndrome. Last evaluated: 2014-01-31. Review status: no assertion criteria provided. Collection method: research. Allele origin: germline. Affected: yes. Study: The Canadian Open Genetics Repository (COGR). Not counted in ClinVar's aggregate classification.

Sharing Clinical Reports Project (SCRP)
Classification: Pathogenic for Breast-ovarian cancer, familial 1. Last evaluated: 2007-05-17. Review status: no assertion criteria provided. Collection method: clinical testing. Allele origin: germline. Not counted in ClinVar's aggregate classification.

Breast Cancer Information Core (BIC) (BRCA1)
Classification: Pathogenic for Breast-ovarian cancer, familial 1. Last evaluated: 2002-05-29. Review status: no assertion criteria provided. Collection method: clinical testing. Allele origin: germline. Affected: yes. Observed: 10 variant alleles. Not counted in ClinVar's aggregate classification.

Department of Pathology and Laboratory Medicine, Sinai Health System
Classification: Pathogenic. Review status: no assertion criteria provided. Collection method: clinical testing. Allele origin: unknown. Affected: yes. Study: The Canadian Open Genetics Repository (COGR). Not counted in ClinVar's aggregate classification.
Comment: The BRCA1 p.Gln1525Argfs*5 variant was identified in 23 of 64496 proband chromosomes (frequency: 0.0004) from individuals or families with breast or ovarian cancer (Rebbeck 2018, Robertson 2012, Song 2014). The variant was also identified in dbSNP (ID: rs80357813) as "With Pathogenic allele", ClinVar (classified as pathogenic by Invitae, Ambry Genetics and eight other submitters), LOVD 3.0 (6x as pathogenic), and in UMD-LSDB (5x as causal). The variant was not identified in the following control databases: the Exome Aggregation Consortium (August 8th 2016) or the Genome Aggregation Database (Feb 27, 2017). The c.4574_4575del variant is predicted to cause a frameshift, which alters the protein's amino acid sequence beginning at codon 1525 and leads to a premature stop codon at position 1529. This alteration is then predicted to result in a truncated or absent protein and loss of function. Loss of function variants of the BRCA1 gene are an established mechanism of disease in hereditary breast and ovarian cancer and is the type of variant expected to cause the disorder. In summary, based on the above information, this variant meets our laboratoryâ€šÃ„Ã´s criteria to be classified as pathogenic.

Literature cited by the submitters: PubMed 20104584 (cited by Labcorp Genetics (formerly Invitae), Labcorp); PubMed 9523200 (cited by 4 submitters); PubMed 22333603 (cited by 6 submitters); PubMed 24728189 (cited by 5 submitters); PubMed 19329713 (cited by 3 submitters); PubMed 20700108 (cited by Ambry Genetics); PubMed 29337092 (cited by Ambry Genetics and Color Diagnostics, LLC DBA Color Health); PubMed 29614442 (cited by Ambry Genetics and Quest Diagnostics Nichols Institute San Juan Capistrano); PubMed 11183185 (cited by 4 submitters); PubMed 19553641 (cited by Color Diagnostics, LLC DBA Color Health and Women's Health and Genetics/Laboratory Corporation of America, LabCorp); PubMed 20127978 (cited by Color Diagnostics, LLC DBA Color Health and Women's Health and Genetics/Laboratory Corporation of America, LabCorp); PubMed 33471991 (cited by Quest Diagnostics Nichols Institute San Juan Capistrano); PubMed 33087929 (cited by Quest Diagnostics Nichols Institute San Juan Capistrano); PubMed 34657373 (cited by Quest Diagnostics Nichols Institute San Juan Capistrano); PubMed 16267036 (cited by Women's Health and Genetics/Laboratory Corporation of America, LabCorp); PubMed 32295079 (cited by CZECANCA consortium).